The following is an entry in ClinVar:

NM_000090.4(COL3A1):c.977G>A (p.Arg326Gln)

Gene: COL3A1 (collagen type III alpha 1 chain; plus strand). Cytogenetic location: 2q32.2.
Variant type: single nucleotide variant.
Coding change: c.977G>A on transcript NM_000090.4 (MANE Select); coding-DNA position 977, G replaced by A.
Protein change: p.Arg326Gln; replaces arginine 326 with glutamine.
Molecular consequence: missense variant.
Genome position (GRCh38, 1-based): chr2:188,992,209, G>A. VCF-style: chr2-188992209-G-A. GRCh37 (hg19) VCF-style: chr2-189856935-G-A.
Other names: short protein forms R326Q.
Identifiers: ClinVar variation 2068081 (VCV002068081.6), dbSNP rs775677938, ClinGen allele CA077146.
Genomic context (GRCh38, chr2:188,992,209, plus strand): 5'-TTAAAAGGATATTTGATGTAAACTTCTCTTTTTAGGGTGCTCGGGGTAATGACGGTGCTC[G>A]AGGCAGTGATGGTCAACCAGTAAGTAACTTTCTATCTCTTATGTGTTGTAGGGTAATGAG-3'
Protein context (NP_000081.2, residues 316-336): AAGARGNDGA[Arg326Gln]GSDGQPGPPG

ClinVar aggregate classification (germline): Uncertain significance. Review status: criteria provided, multiple submitters, no conflicts (2 of 4 stars). 3 submissions from 3 submitters: Uncertain significance (3). Last evaluated 2025-11-03.

Conditions:
Familial thoracic aortic aneurysm and aortic dissection (TAAD). Also called: Thoracic aortic aneurysms and dissections. Identifiers: Orphanet 91387, MedGen C4707243, MONDO:0019625.
Ehlers-Danlos syndrome, type 4 (EDSVASC). Also called: Ehlers-Danlos syndrome vascular type; Ehlers Danlos syndrome, ecchymotic type; Ehlers Danlos syndrome, arterial type; Ehlers Danlos syndrome, Sack-Barabas type; Ehlers-Danlos Syndrome Type IV. Identifiers: Orphanet 286, MedGen C0268338, MONDO:0017314, OMIM 130050.

Allele frequency attached by ClinVar (database versions not stated): TOPMed below 0.00001; ExAC 0.00001; gnomAD 0.00001; gnomAD exomes 0.00001.
gnomAD v4.1: 12 of 1,613,704 alleles (0.00074%); highest among the groups gnomAD compares: East Asian, 0.0022%; no homozygotes.

Submissions (3):

Labcorp Genetics (formerly Invitae), Labcorp
Classification: Uncertain significance for Ehlers-Danlos syndrome, type 4. Last evaluated: 2025-11-03. Review status: criteria provided, single submitter. Criteria: Invitae Variant Classification Sherloc (09022015). Collection method: clinical testing. Allele origin: germline.
Comment: This sequence change replaces arginine, which is basic and polar, with glutamine, which is neutral and polar, at codon 326 of the COL3A1 protein (p.Arg326Gln). This variant is present in population databases (rs775677938, gnomAD 0.006%). This missense change has been observed in individual(s) with clinical features of COL3A1-related conditions (PMID: 26333736). ClinVar contains an entry for this variant (Variation ID: 2068081). Invitae Evidence Modeling of protein sequence and biophysical properties (such as structural, functional, and spatial information, amino acid conservation, physicochemical variation, residue mobility, and thermodynamic stability) indicates that this missense variant is not expected to disrupt COL3A1 protein function with a negative predictive value of 95%. In summary, the available evidence is currently insufficient to determine the role of this variant in disease. Therefore, it has been classified as a Variant of Uncertain Significance.

GeneDx
Classification: Uncertain significance. Last evaluated: 2025-07-15. Review status: criteria provided, single submitter. Criteria: GeneDx Variant Classification Process June 2021. Collection method: clinical testing. Allele origin: germline. Affected: yes.
Comment: Has been reported in an individual with adolescent idiopathic scoliosis (PMID: 26566670); Not observed at significant frequency in large population cohorts (gnomAD); In silico analysis suggests that this missense variant does not alter protein structure/function; Occurs in the triple helical domain at the Y position in the canonical Gly-X-Y repeat; although this variant may have an effect on normal protein folding and function, missense substitution at the Y position is not a common mechanism of disease (HGMD); This variant is associated with the following publications: (PMID: 26566670, 26333736)

Color Diagnostics, LLC DBA Color Health
Classification: Uncertain significance for Familial thoracic aortic aneurysm and aortic dissection. Last evaluated: 2024-02-14. Review status: criteria provided, single submitter. Criteria: ACMG Guidelines, 2015. Collection method: clinical testing. Allele origin: germline.
Comment: This missense variant replaces arginine with glutamine at codon 326 of the COL3A1 protein. Computational prediction suggests that this variant may not impact protein structure and function. To our knowledge, functional studies have not been reported for this variant. This variant has been reported in an individual affected with idiopathic scoliosis (PMID: 26333736). This variant has been identified in 2/251422 chromosomes in the general population by the Genome Aggregation Database (gnomAD). The available evidence is insufficient to determine the role of this variant in disease conclusively. Therefore, this variant is classified as a Variant of Uncertain Significance.

Literature cited by the submitters: PubMed 26333736 (cited by Labcorp Genetics (formerly Invitae), Labcorp and Color Diagnostics, LLC DBA Color Health).